The following is an entry in ClinVar:

ClinVar aggregate classification (germline): Uncertain significance (1 of 4 stars; one submission).

Submission:

Labcorp Genetics (formerly Invitae), Labcorp
Classification: Uncertain significance. Last evaluated: 2025-03-25. Review status: criteria provided, single submitter. Criteria: Invitae Variant Classification Sherloc (09022015). Collection method: clinical testing. Allele origin: germline.
Comment: This sequence change replaces lysine, which is basic and polar, with glutamic acid, which is acidic and polar, at codon 239 of the HOXB13 protein (p.Lys239Glu). This variant is present in population databases (rs765973015, gnomAD 0.0009%). This variant has not been reported in the literature in individuals affected with HOXB13-related conditions. ClinVar contains an entry for this variant (Variation ID: 1719847). Invitae Evidence Modeling of protein sequence and biophysical properties (such as structural, functional, and spatial information, amino acid conservation, physicochemical variation, residue mobility, and thermodynamic stability) indicates that this missense variant is not expected to disrupt HOXB13 protein function with a negative predictive value of 80%. In summary, the available evidence is currently insufficient to determine the role of this variant in disease. Therefore, it has been classified as a Variant of Uncertain Significance.

NM_006361.6(HOXB13):c.715A>G (p.Lys239Glu)

Gene: HOXB13 (homeobox B13; minus strand). Cytogenetic location: 17q21.32.
Variant type: single nucleotide variant.
Coding change: c.715A>G on transcript NM_006361.6 (MANE Select); coding-DNA position 715, A replaced by G.
Protein change: p.Lys239Glu; replaces lysine 239 with glutamic acid.
Molecular consequence: missense variant.
Genome position (GRCh38, 1-based): chr17:48,726,930, T>C on the plus strand (A>G on the coding strand, the complement: HOXB13 is on the minus strand). VCF-style: chr17-48726930-T-C. GRCh37 (hg19) VCF-style: chr17-46804292-T-C.
Other names: short protein forms K239E.
Identifiers: ClinVar variation 1719847 (VCV001719847.5), dbSNP rs765973015, ClinGen allele CA8633923.